The following is an entry in ClinVar:

ClinVar aggregate classification (germline): Uncertain significance (1 of 4 stars; one submission).

Submission:

Mayo Clinic Laboratories, Mayo Clinic
Classification: Uncertain significance. Last evaluated: 2024-07-30. Review status: criteria provided, single submitter. Criteria: ACMG Guidelines, 2015. Collection method: clinical testing. Allele origin: germline. Observed: 1 variant allele.
Comment: PM2

NM_000175.5(GPI):c.847T>A (p.Ser283Thr)

Gene: GPI (glucose-6-phosphate isomerase; plus strand). Cytogenetic location: 19q13.11.
Variant type: single nucleotide variant.
Coding change: c.847T>A on transcript NM_000175.5 (MANE Select); coding-DNA position 847, T replaced by A.
Protein change: p.Ser283Thr; replaces serine 283 with threonine.
Molecular consequence: missense variant.
Genome position (GRCh38, 1-based): chr19:34,393,290, T>A. VCF-style: chr19-34393290-T-A. GRCh37 (hg19) VCF-style: chr19-34884195-T-A.
Other names: p.Ser283Thr; c.880T>A, p.Ser294Thr (NM_001184722.1); c.964T>A, p.Ser322Thr (NM_001289789.1); c.763T>A, p.Ser255Thr (NM_001289790.3); c.847T>A, p.Ser283Thr (NM_001329909.1, NM_001329910.1, NM_001329911.2); short protein forms S255T, S283T, S294T, S322T.
Identifiers: ClinVar variation 3380606 (VCV003380606.1).